The following is an entry in ClinVar:

ClinVar aggregate classification (germline): Uncertain significance (1 of 4 stars; one submission).

Submission:

Labcorp Genetics (formerly Invitae), Labcorp
Classification: Uncertain significance. Last evaluated: 2025-10-21. Review status: criteria provided, single submitter. Criteria: Invitae Variant Classification Sherloc (09022015). Collection method: clinical testing. Allele origin: germline.
Comment: This sequence change replaces cysteine, which is neutral and slightly polar, with serine, which is neutral and polar, at codon 1398 of the LAMB1 protein (p.Cys1398Ser). This variant is not present in population databases (gnomAD no frequency). This variant has not been reported in the literature in individuals affected with LAMB1-related conditions. ClinVar contains an entry for this variant (Variation ID: 2781129). An algorithm developed to predict the effect of missense changes on protein structure and function (PolyPhen-2) suggests that this variant is likely to be disruptive. In summary, the available evidence is currently insufficient to determine the role of this variant in disease. Therefore, it has been classified as a Variant of Uncertain Significance.

NM_002291.3(LAMB1):c.4193G>C (p.Cys1398Ser)

Gene: LAMB1 (laminin subunit beta 1; minus strand). Cytogenetic location: 7q31.1.
Variant type: single nucleotide variant.
Coding change: c.4193G>C on transcript NM_002291.3 (MANE Select); coding-DNA position 4193, G replaced by C.
Protein change: p.Cys1398Ser; replaces cysteine 1398 with serine.
Molecular consequence: missense variant.
Genome position (GRCh38, 1-based): chr7:107,932,373, C>G on the plus strand (G>C on the coding strand, the complement: LAMB1 is on the minus strand). VCF-style: chr7-107932373-C-G. GRCh37 (hg19) VCF-style: chr7-107572818-C-G.
Other names: short protein forms C1398S.
Identifiers: ClinVar variation 2781129 (VCV002781129.3), dbSNP rs2535391890, ClinGen allele CA368865020.